The following is an entry in ClinVar:

NM_001519.4(BRF1):c.1917C>T (p.Asp639=)

Gene: BRF1 (BRF1 general transcription factor IIIB subunit; minus strand). Cytogenetic location: 14q32.33.
Variant type: single nucleotide variant.
Coding change: c.1917C>T on transcript NM_001519.4 (MANE Select); coding-DNA position 1917, C replaced by T.
Protein change: p.Asp639=; no amino-acid change (aspartic acid 639 retained).
Molecular consequence: synonymous variant.
Genome position (GRCh38, 1-based): chr14:105,211,201, G>A on the plus strand (C>T on the coding strand, the complement: BRF1 is on the minus strand). VCF-style: chr14-105211201-G-A. GRCh37 (hg19) VCF-style: chr14-105677538-G-A.
Other names: c.1638C>T, p.Asp546= (NM_001242786.2); c.1572C>T, p.Asp524= (NM_001242787.2); c.1836C>T, p.Asp612= (NM_001242788.2); c.1203C>T, p.Asp401= (NM_001242789.2); c.1305C>T, p.Asp435= (NM_145685.3).
Identifiers: ClinVar variation 3053748 (VCV003053748.2), dbSNP rs199836794, ClinGen allele CA7386919.

ClinVar aggregate classification (germline): Likely benign (0 of 4 stars; one submission).

Conditions:
BRF1-related disorder. Also called: BRF1-related condition.

Allele frequency attached by ClinVar (database versions not stated): TOPMed 0.00006.
gnomAD v4.1: 97 of 1,611,810 alleles (0.006%); highest among the groups gnomAD compares: Non-Finnish European, 0.0074%; no homozygotes.

Submission:

PreventionGenetics, part of Exact Sciences
Classification: Likely benign for BRF1-related condition. Last evaluated: 2019-09-05. Review status: no assertion criteria provided. Collection method: clinical testing. Allele origin: germline.
Comment: This variant is classified as likely benign based on ACMG/AMP sequence variant interpretation guidelines (Richards et al. 2015 PMID: 25741868, with internal and published modifications).